The following is an entry in ClinVar:

ClinVar aggregate classification (germline): Pathogenic/Likely pathogenic. Review status: criteria provided, multiple submitters, no conflicts (2 of 4 stars). 2 submissions from 2 submitters: Pathogenic (1); Likely pathogenic (1). Last evaluated 2021-12-01.

Conditions:
5-Oxoprolinase deficiency (OPLAHD). Also called: 5-OXOPROLINURIA DUE TO 5-OXOPROLINASE DEFICIENCY. Identifiers: Orphanet 33572, MedGen C0268525, MONDO:0009825, OMIM 260005, HP:0040142.

Allele frequency attached by ClinVar (database versions not stated): gnomAD 0.00001; gnomAD exomes 0.00002; TOPMed 0.00002.

Submissions (2):

Fulgent Genetics
Classification: Likely pathogenic for 5-Oxoprolinase deficiency. Last evaluated: 2021-12-01. Review status: criteria provided, single submitter. Criteria: ACMG Guidelines, 2015. Collection method: clinical testing. Allele origin: unknown.

Labcorp Genetics (formerly Invitae), Labcorp
Classification: Pathogenic for 5-Oxoprolinase deficiency. Last evaluated: 2019-12-02. Review status: criteria provided, single submitter. Criteria: Invitae Variant Classification Sherloc (09022015). Collection method: clinical testing. Allele origin: germline.
Comment: For these reasons, this variant has been classified as Pathogenic. Donor and acceptor splice site variants typically lead to a loss of protein function (PMID: 16199547), and loss-of-function variants in OPLAH are known to be pathogenic (PMID: 21651516, 27477828). This variant is not present in population databases (ExAC no frequency). This sequence change affects a donor splice site in intron 5 of the OPLAH gene. It is expected to disrupt RNA splicing and likely results in an absent or disrupted protein product.

Literature cited by the submitters: PubMed 16199547 (cited by Labcorp Genetics (formerly Invitae), Labcorp); PubMed 21651516 (cited by Labcorp Genetics (formerly Invitae), Labcorp); PubMed 27477828 (cited by Labcorp Genetics (formerly Invitae), Labcorp).

NM_017570.5(OPLAH):c.587+1G>A

Gene: OPLAH (5-oxoprolinase, ATP-hydrolysing; minus strand). Cytogenetic location: 8q24.3.
Variant type: single nucleotide variant.
Coding change: c.587+1G>A on transcript NM_017570.5 (MANE Select); the canonical splice donor site of the intron after coding-DNA position 587, G replaced by A.
Molecular consequence: splice donor variant.
Genome position (GRCh38, 1-based): chr8:144,058,772, C>T on the plus strand (G>A on the coding strand, the complement: OPLAH is on the minus strand). VCF-style: chr8-144058772-C-T. GRCh37 (hg19) VCF-style: chr8-145113675-C-T.
Identifiers: ClinVar variation 861806 (VCV000861806.7), dbSNP rs1272869557, ClinGen allele CA372572041.